The following is an entry in ClinVar:

ClinVar aggregate classification (germline): Uncertain significance (1 of 4 stars; one submission).

Submission:

Labcorp Genetics (formerly Invitae), Labcorp
Classification: Uncertain significance. Last evaluated: 2025-09-14. Review status: criteria provided, single submitter. Criteria: Invitae Variant Classification Sherloc (09022015). Collection method: clinical testing. Allele origin: germline.
Comment: This sequence change replaces histidine, which is basic and polar, with arginine, which is basic and polar, at codon 245 of the RELA protein (p.His245Arg). This variant is not present in population databases (gnomAD no frequency). This variant has not been reported in the literature in individuals affected with RELA-related conditions. An algorithm developed to predict the effect of missense changes on protein structure and function (PolyPhen-2) suggests that this variant is likely to be disruptive. In summary, the available evidence is currently insufficient to determine the role of this variant in disease. Therefore, it has been classified as a Variant of Uncertain Significance.

NM_021975.4(RELA):c.734A>G (p.His245Arg)

Gene: RELA (RELA proto-oncogene, NF-kB subunit; minus strand). Cytogenetic location: 11q13.1.
Variant type: single nucleotide variant.
Coding change: c.734A>G on transcript NM_021975.4 (MANE Select); coding-DNA position 734, A replaced by G.
Protein change: p.His245Arg; replaces histidine 245 with arginine.
Molecular consequence: missense variant. On other transcripts: intron variant (2).
Genome position (GRCh38, 1-based): chr11:65,658,430, T>C on the plus strand (A>G on the coding strand, the complement: RELA is on the minus strand). VCF-style: chr11-65658430-T-C. GRCh37 (hg19) VCF-style: chr11-65425901-T-C.
Other names: c.725A>G, p.His242Arg (NM_001145138.2); c.734A>G, p.His245Arg (NM_001243984.2, NM_001243985.2); c.767A>G, p.His256Arg (NM_001404657.1); c.707A>G, p.His236Arg (NM_001404658.1); c.353A>G, p.His118Arg (NM_001404661.1); c.641A>G, p.His214Arg (NM_001404662.1, NM_001404663.1); c.559+1236A>G (NM_001404660.1); c.664+288A>G (NM_001404659.1); short protein forms H118R, H214R, H236R, H242R, H256R, H245R.
Identifiers: ClinVar variation 4727101 (VCV004727101.1).